The following is an entry in ClinVar:

NM_177438.3(DICER1):c.880G>C (p.Asp294His)

Gene: DICER1 (dicer 1, ribonuclease III; minus strand). Cytogenetic location: 14q32.13.
Variant type: single nucleotide variant.
Coding change: c.880G>C on transcript NM_177438.3 (MANE Select); coding-DNA position 880, G replaced by C.
Protein change: p.Asp294His; replaces aspartic acid 294 with histidine.
Molecular consequence: missense variant. On other transcripts: non-coding transcript variant (6), 5 prime UTR variant (1).
Genome position (GRCh38, 1-based): chr14:95,126,603, C>G on the plus strand (G>C on the coding strand, the complement: DICER1 is on the minus strand). VCF-style: chr14-95126603-C-G. GRCh37 (hg19) VCF-style: chr14-95592940-C-G.
Other names: c.880G>C, p.Asp294His (NM_001195573.1, NM_001271282.3, NM_001291628.2 and 14 more transcripts); c.598G>C, p.Asp200His (NM_001395686.1); c.475G>C, p.Asp159His (NM_001395687.1, NM_001395688.1, NM_001395689.1 and 3 more transcripts); c.313G>C, p.Asp105His (NM_001395691.1); c.-689G>C (NM_001395697.1); short protein forms D105H, D159H, D200H, D294H.
Identifiers: ClinVar variation 3272024 (VCV003272024.1).

ClinVar aggregate classification (germline): Uncertain significance (1 of 4 stars; one submission).

Conditions:
Hereditary cancer-predisposing syndrome. Also called: Tumor predisposition; Hereditary Cancer Syndrome; Hereditary neoplastic syndrome; Neoplastic Syndromes, Hereditary. Identifiers: Orphanet 140162, MedGen C0027672, MeSH D009386, MONDO:0015356.

Submission:

Ambry Genetics
Classification: Uncertain significance for Hereditary cancer-predisposing syndrome. Last evaluated: 2024-05-18. Review status: criteria provided, single submitter. Criteria: Ambry Variant Classification Scheme 2023. Collection method: clinical testing. Allele origin: germline.
Comment: The p.D294H variant (also known as c.880G>C), located in coding exon 6 of the DICER1 gene, results from a G to C substitution at nucleotide position 880. The aspartic acid at codon 294 is replaced by histidine, an amino acid with similar properties. This amino acid position is conserved. In addition, this alteration is predicted to be deleterious by in silico analysis. Based on the available evidence, the clinical significance of this variant remains unclear.